The following is an entry in ClinVar:

NM_014915.3(ANKRD26):c.2830G>T (p.Glu944Ter)

Gene: ANKRD26 (ankyrin repeat domain containing 26; minus strand). Cytogenetic location: 10p12.1.
Variant type: single nucleotide variant.
Coding change: c.2830G>T on transcript NM_014915.3 (MANE Select); coding-DNA position 2830, G replaced by T.
Protein change: p.Glu944Ter; replaces glutamic acid 944 with a stop codon.
Molecular consequence: nonsense.
Genome position (GRCh38, 1-based): chr10:27,035,620, C>A on the plus strand (G>T on the coding strand, the complement: ANKRD26 is on the minus strand). VCF-style: chr10-27035620-C-A. GRCh37 (hg19) VCF-style: chr10-27324549-C-A.
Other names: c.2827G>T, p.Glu943Ter (NM_001256053.2); short protein forms E943*, E944*.
Identifiers: ClinVar variation 2634961 (VCV002634961.1), dbSNP rs919331810, ClinGen allele CA204449649.

ClinVar aggregate classification (germline): Uncertain significance (1 of 4 stars; one submission).

Conditions:
ANKRD26-related disorder. Also called: ANKRD26-related condition.

Allele frequency attached by ClinVar (database versions not stated): TOPMed 0.00002; gnomAD 0.00004.
gnomAD v4.1: 6 of 1,594,584 alleles (0.00038%); highest among the groups gnomAD compares: African/African-American, 0.0082%; no homozygotes.

Submission:

PreventionGenetics, part of Exact Sciences
Classification: Uncertain significance for ANKRD26-related condition. Last evaluated: 2022-11-19. Review status: criteria provided, single submitter. Criteria: ACMG Guidelines, 2015. Collection method: clinical testing. Allele origin: germline.
Comment: The ANKRD26 c.2830G>T variant is predicted to result in premature protein termination (p.Glu944*). To our knowledge, this variant has not been reported in the literature. This variant is reported in 0.011% of alleles in individuals of African descent in gnomAD. Although we suspect that this variant may be pathogenic, at this time, the clinical significance of this variant is uncertain due to the absence of conclusive functional and genetic evidence.